The following is an entry in ClinVar:

ClinVar aggregate classification (germline): Uncertain significance (1 of 4 stars; one submission).

Submission:

Labcorp Genetics (formerly Invitae), Labcorp
Classification: Uncertain significance. Last evaluated: 2025-07-22. Review status: criteria provided, single submitter. Criteria: Invitae Variant Classification Sherloc (09022015). Collection method: clinical testing. Allele origin: germline.
Comment: This sequence change replaces tyrosine, which is neutral and polar, with aspartic acid, which is acidic and polar, at codon 112 of the RIPPLY2 protein (p.Tyr112Asp). This variant is not present in population databases (gnomAD no frequency). This variant has not been reported in the literature in individuals affected with RIPPLY2-related conditions. An algorithm developed to predict the effect of missense changes on protein structure and function (PolyPhen-2) suggests that this variant is likely to be disruptive. In summary, the available evidence is currently insufficient to determine the role of this variant in disease. Therefore, it has been classified as a Variant of Uncertain Significance.

NM_001009994.3(RIPPLY2):c.334T>G (p.Tyr112Asp)

Genes: RIPPLY2 (ripply transcriptional repressor 2; plus strand), RIPPLY2-CYB5R4 (RIPPLY2-CYB5R4 readthrough; plus strand). Cytogenetic location: 6q14.2.
Variant type: single nucleotide variant.
Coding change: c.334T>G on transcript NM_001009994.3 (MANE Select); coding-DNA position 334, T replaced by G.
Protein change: p.Tyr112Asp; replaces tyrosine 112 with aspartic acid.
Molecular consequence: missense variant. On other transcripts: 3 prime UTR variant (1), non-coding transcript variant (2), intron variant (1).
Genome position (GRCh38, 1-based): chr6:83,857,336, T>G. VCF-style: chr6-83857336-T-G. GRCh37 (hg19) VCF-style: chr6-84567055-T-G.
Other names: c.397T>G, p.Tyr133Asp (NM_001400899.1); c.*3171T>G (NM_001400900.1); c.-28+3175T>G (NM_001400774.1); short protein forms Y133D, Y112D.
Identifiers: ClinVar variation 4744493 (VCV004744493.1).
Genomic context (GRCh38, chr6:83,857,336, plus strand): 5'-TTATATCAAGAAGCAGAAGCTCTTCTGAAAAATTTTCCAATTCAAGCCACAATTTCATTT[T>G]ATGAAGATTCTGATAGCGAAGATGAAATTGAGGATCTGACCTGTGAAAATTAATCTGATT-3'
Protein context (NP_001009994.1, residues 102-122): NFPIQATISF[Tyr112Asp]EDSDSEDEIE